The following is an entry in ClinVar:

ClinVar aggregate classification (germline): Benign (1 of 4 stars; one submission).

Conditions:
Glycogen storage disease, type II (IOPD). Also called: Pompe Disease; CARDIOMEGALIA GLYCOGENICA DIFFUSA; GLYCOGENOSIS, GENERALIZED, CARDIAC FORM; GSD II; POMPE DISEASE, INFANTILE-ONSET; GLYCOGEN STORAGE DISEASE II, INFANTILE-ONSET. Identifiers: Orphanet 365, MedGen C0017921, MONDO:0009290, OMIM 232300.

gnomAD v4.1: 95,247 of 151,788 alleles (63%); highest among the groups gnomAD compares: Middle Eastern, 78%; 30,629 homozygotes.

Submission:

Genomenon, Inc
Classification: Benign for Glycogen storage disease, type II. Last evaluated: 2026-07-01. Review status: criteria provided, single submitter. Criteria: Genomenon Sequence Variant Interpretation Standards - Updated. Collection method: curation. Allele origin: germline. Affected: no.
Comment: GAA c.1636+390A>G is an intronic variant located in intron 11. This variant is present at high allele frequency in population databases. We classify GAA c.1636+390A>G as a benign variant.

NM_000152.5(GAA):c.1636+390A>G

Gene: GAA (alpha glucosidase; plus strand). Cytogenetic location: 17q25.3.
Variant type: single nucleotide variant.
Coding change: c.1636+390A>G on transcript NM_000152.5 (MANE Select); 390 bases into the intron after coding-DNA position 1636, A replaced by G.
Molecular consequence: intron variant.
Genome position (GRCh38, 1-based): chr17:80,111,415, A>G. VCF-style: chr17-80111415-A-G. GRCh37 (hg19) VCF-style: chr17-78085214-A-G.
Other names: c.1636+390A>G (NM_001406741.1, NM_001406742.1, NM_001079803.3 and 1 more transcripts).
Identifiers: ClinVar variation 4876292 (VCV004876292.1).